The following is an entry in ClinVar:

ClinVar aggregate classification (germline): Uncertain significance (1 of 4 stars; one submission).

Conditions:
Type 2 diabetes mellitus. Also called: Type II diabetes mellitus. Identifiers: MedGen C0011860, MeSH D003924, MONDO:0005148, OMIM 125853, HP:0005978.
Hypoinsulinemic hypoglycemia and body hemihypertrophy. Also called: Hypoinsulinemic hypoglycemia and hemihypertrophy. Identifiers: Orphanet 293964, MedGen C3278384, MONDO:0009416, OMIM 240900.

Allele frequency attached by ClinVar (database versions not stated): gnomAD 0.00001; TOPMed 0.00001.
gnomAD v4.1: 18 of 1,613,890 alleles (0.0011%); highest among the groups gnomAD compares: South Asian, 0.0055%; no homozygotes.

Submission:

Labcorp Genetics (formerly Invitae), Labcorp
Classification: Uncertain significance for Hypoinsulinemic hypoglycemia and body hemihypertrophy; Type 2 diabetes mellitus. Last evaluated: 2023-06-13. Review status: criteria provided, single submitter. Criteria: Invitae Variant Classification Sherloc (09022015). Collection method: clinical testing. Allele origin: germline.
Comment: This sequence change replaces arginine, which is basic and polar, with cysteine, which is neutral and slightly polar, at codon 455 of the AKT2 protein (p.Arg455Cys). This variant is present in population databases (no rsID available, gnomAD 0.006%). This variant has not been reported in the literature in individuals affected with AKT2-related conditions. ClinVar contains an entry for this variant (Variation ID: 853867). An algorithm developed to predict the effect of missense changes on protein structure and function (PolyPhen-2) suggests that this variant is likely to be disruptive. In summary, the available evidence is currently insufficient to determine the role of this variant in disease. Therefore, it has been classified as a Variant of Uncertain Significance.

NM_001626.6(AKT2):c.1363C>T (p.Arg455Cys)

Gene: AKT2 (AKT serine/threonine kinase 2; minus strand). Cytogenetic location: 19q13.2.
Variant type: single nucleotide variant.
Coding change: c.1363C>T on transcript NM_001626.6 (MANE Select); coding-DNA position 1363, C replaced by T.
Protein change: p.Arg455Cys; replaces arginine 455 with cysteine.
Molecular consequence: missense variant.
Genome position (GRCh38, 1-based): chr19:40,235,048, G>A on the plus strand (C>T on the coding strand, the complement: AKT2 is on the minus strand). VCF-style: chr19-40235048-G-A. GRCh37 (hg19) VCF-style: chr19-40740955-G-A.
Other names: c.1177C>T, p.Arg393Cys (NM_001243027.3, NM_001243028.3); c.1234C>T, p.Arg412Cys (NM_001330511.1); short protein forms R412C, R393C, R455C.
Identifiers: ClinVar variation 853867 (VCV000853867.10), dbSNP rs757239082, ClinGen allele CA405865609.